The following is an entry in ClinVar:

ClinVar aggregate classification (germline): Uncertain significance (1 of 4 stars; one submission).

Conditions:
Immunodeficiency 39 (IMD39). Identifiers: Orphanet 574918, MedGen C4225358, MONDO:0014597, OMIM 616345.

Allele frequency attached by ClinVar (database versions not stated): gnomAD exomes below 0.00001.
gnomAD v4.1: 1 of 1,613,346 alleles (0.000062%); highest among the groups gnomAD compares: Non-Finnish European, 0.000085%; no homozygotes.

Submission:

Labcorp Genetics (formerly Invitae), Labcorp
Classification: Uncertain significance for Immunodeficiency 39. Last evaluated: 2022-09-26. Review status: criteria provided, single submitter. Criteria: Invitae Variant Classification Sherloc (09022015). Collection method: clinical testing. Allele origin: germline.
Comment: This sequence change replaces aspartic acid, which is acidic and polar, with asparagine, which is neutral and polar, at codon 503 of the IRF7 protein (p.Asp503Asn). This variant is not present in population databases (gnomAD no frequency). This variant has not been reported in the literature in individuals affected with IRF7-related conditions. Algorithms developed to predict the effect of missense changes on protein structure and function output the following: SIFT: "Tolerated"; PolyPhen-2: "Benign"; Align-GVGD: "Class C0". The asparagine amino acid residue is found in multiple mammalian species, which suggests that this missense change does not adversely affect protein function. In summary, the available evidence is currently insufficient to determine the role of this variant in disease. Therefore, it has been classified as a Variant of Uncertain Significance.

NM_001572.5(IRF7):c.1468G>A (p.Asp490Asn)

Gene: IRF7 (interferon regulatory factor 7; minus strand). Cytogenetic location: 11p15.5.
Variant type: single nucleotide variant.
Coding change: c.1468G>A on transcript NM_001572.5 (MANE Select); coding-DNA position 1468, G replaced by A.
Protein change: p.Asp490Asn; replaces aspartic acid 490 with asparagine.
Molecular consequence: missense variant.
Genome position (GRCh38, 1-based): chr11:612,689, C>T on the plus strand (G>A on the coding strand, the complement: IRF7 is on the minus strand). VCF-style: chr11-612689-C-T. GRCh37 (hg19) VCF-style: chr11-612689-C-T.
Other names: c.1381G>A, p.Asp461Asn (NM_004029.4); c.1507G>A, p.Asp503Asn (NM_004031.4); short protein forms D461N, D503N, D490N.
Identifiers: ClinVar variation 1951697 (VCV001951697.5), dbSNP rs2493880348, ClinGen allele CA378975479.